The following is an entry in ClinVar:

NM_001367624.2(ZNF469):c.402C>T (p.Asp134=)

Gene: ZNF469 (zinc finger protein 469; plus strand). Cytogenetic location: 16q24.2.
Variant type: single nucleotide variant.
Coding change: c.402C>T on transcript NM_001367624.2 (MANE Select); coding-DNA position 402, C replaced by T.
Protein change: p.Asp134=; no amino-acid change (aspartic acid 134 retained).
Molecular consequence: synonymous variant.
Genome position (GRCh38, 1-based): chr16:88,427,872, C>T. VCF-style: chr16-88427872-C-T. GRCh37 (hg19) VCF-style: chr16-88494280-C-T.
Other names: NM_001127464.2:c.402C>T.
Identifiers: ClinVar variation 320852 (VCV000320852.46), dbSNP rs569036398, ClinGen allele CA8224586.

ClinVar aggregate classification (germline): Benign/Likely benign. Review status: criteria provided, multiple submitters, no conflicts (2 of 4 stars). 6 submissions from 6 submitters: Benign (3); Likely benign (2). 1 of the submissions does not count toward it. Last evaluated 2026-01-08.

Conditions:
ZNF469-related disorder. Also called: ZNF469-related condition.
Cardiovascular phenotype. Identifiers: MedGen CN230736.
Ehlers-Danlos syndrome (EDS). Identifiers: Orphanet 98249, MedGen C0013720, MONDO:0020066.

Allele frequency attached by ClinVar (database versions not stated): 1000 Genomes Project 0.00280; 1000 Genomes Project 30x 0.00297; ExAC 0.00387; TOPMed 0.00012; gnomAD exomes 0.00046 and 0.00109; gnomAD 0.00010.
gnomAD v4.1: 718 of 1,549,626 alleles (0.046%); highest among the groups gnomAD compares: South Asian, 0.56%; 10 homozygotes.

Submissions (6):

Labcorp Genetics (formerly Invitae), Labcorp
Classification: Benign. Last evaluated: 2026-01-08. Review status: criteria provided, single submitter. Criteria: Invitae Variant Classification Sherloc (09022015). Collection method: clinical testing. Allele origin: germline.

CeGaT Center for Human Genetics Tuebingen
Classification: Likely benign. Last evaluated: 2025-07-01. Review status: criteria provided, single submitter. Criteria: CeGaT Center For Human Genetics Tuebingen Variant Classification Criteria Version 2. Collection method: clinical testing. Allele origin: germline. Affected: yes. Observed: 3 variant alleles.
Comment: ZNF469: BP4, BP7

GeneDx
Classification: Benign. Last evaluated: 2021-03-24. Review status: criteria provided, single submitter. Criteria: GeneDx Variant Classification Process June 2021. Collection method: clinical testing. Allele origin: germline. Affected: yes.

Genome Diagnostics Laboratory, The Hospital for Sick Children
Classification: Likely benign for Ehlers-Danlos syndrome. Last evaluated: 2020-02-01. Review status: criteria provided, single submitter. Criteria: ACMG Guidelines, 2015. Collection method: clinical testing. Allele origin: germline.

Ambry Genetics
Classification: Benign for Cardiovascular phenotype. Last evaluated: 2019-04-23. Review status: criteria provided, single submitter. Criteria: Ambry Variant Classification Scheme 2023. Collection method: clinical testing. Allele origin: germline.

PreventionGenetics, part of Exact Sciences
Classification: Likely benign for ZNF469-related condition. Last evaluated: 2024-04-02. Review status: no assertion criteria provided. Collection method: clinical testing. Allele origin: germline. Not counted in ClinVar's aggregate classification.
Comment: This variant is classified as likely benign based on ACMG/AMP sequence variant interpretation guidelines (Richards et al. 2015 PMID: 25741868, with internal and published modifications).